The following is an entry in ClinVar:

NM_181672.3(OGT):c.1358G>A (p.Arg453His)

Gene: OGT (O-linked N-acetylglucosamine (GlcNAc) transferase; plus strand). Cytogenetic location: Xq13.1.
Variant type: single nucleotide variant.
Coding change: c.1358G>A on transcript NM_181672.3 (MANE Select); coding-DNA position 1358, G replaced by A.
Protein change: p.Arg453His; replaces arginine 453 with histidine.
Molecular consequence: missense variant.
Genome position (GRCh38, 1-based): chrX:71,557,232, G>A. VCF-style: chrX-71557232-G-A. GRCh37 (hg19) VCF-style: chrX-70777082-G-A.
Other names: c.1328G>A, p.Arg443His (NM_181673.3); short protein forms R443H, R453H.
Identifiers: ClinVar variation 5020168 (VCV005020168.1).

ClinVar aggregate classification (germline): Uncertain significance (1 of 4 stars; one submission).

gnomAD v4.1: 1 of 1,206,872 alleles (0.000083%); highest among the groups gnomAD compares: African/African-American, 0.0017%; no homozygotes.

Submission:

Dasa
Classification: Uncertain significance. Last evaluated: 2026-07-20. Review status: criteria provided, single submitter. Criteria: DASA Assertion Criteria. Collection method: clinical testing. Allele origin: germline.
Comment: NM_181672.3(OGT):c.1358G>A (p.Arg453His) is a missense variant that results in the substitution of arginine with histidine. This variant is rare in population databases. The currently available literature and clinical evidence are not sufficient to establish a definitive association between this variant and the reported condition. Therefore, this variant is classified as a variant of uncertain significance.